The following is an entry in ClinVar:

NM_007294.4(BRCA1):c.892_895dup (p.Val299fs)

Gene: BRCA1 (BRCA1 DNA repair associated; minus strand). Cytogenetic location: 17q21.31.
Variant type: Microsatellite.
Coding change: c.892_895dup on transcript NM_007294.4 (MANE Select); coding-DNA positions 892 to 895, 4 bases duplicated (AATG; older notation c.892_895dupAATG).
Protein change: p.Val299fs; shifts the reading frame from valine 299.
Molecular consequence: frameshift variant. On other transcripts: intron variant (137), initiator codon variant (2).
Genome position (GRCh38, 1-based): chr17:43,094,636-43,094,639, CATT duplicated on the plus strand (AATG on the coding strand, the reverse complement: BRCA1 is on the minus strand); duplicating any 4 consecutive bases within chr17:43,094,636-43,094,644 gives the same sequence; the c. name uses the placement nearest the transcript's 3' end. VCF-style (leftmost placement, unchanged base first): chr17-43094635-A-ACATT. GRCh37 (hg19) VCF-style: chr17-41246652-A-ACATT.
Other names: 1014ins4; p.Val299GlufsX6; c.892_895dupAATG (NM_007294.3); c.679_682dup, p.Val228fs (NM_001407571.1, NM_001407853.1, NM_001407894.1 and 9 more transcripts); c.892_895dup, p.Val299fs (NM_001407581.1, NM_001407582.1, NM_001407583.1 and 30 more transcripts); c.787+101AATG[3] (NM_001407971.1, NM_001407981.1, NM_007298.4 and 19 more transcripts); c.790+98AATG[3] (NM_001408406.1); c.646+101AATG[3] (NM_001408456.1, NM_001408410.1, NM_001408458.1 and 11 more transcripts); and 43 more; short protein forms V299fs, V252fs, V228fs, V257fs, V272fs, V273fs, V3fs, V211fs.
Identifiers: ClinVar variation 188406 (VCV000188406.12), dbSNP rs80357806, ClinGen allele CA003954.

ClinVar aggregate classification (germline): Pathogenic. Review status: reviewed by expert panel (3 of 4 stars). 4 submissions from 4 submitters: Pathogenic (1). 3 of the submissions do not count toward it. Last evaluated 2016-09-08.

Conditions:
Hereditary cancer-predisposing syndrome. Also called: Hereditary Cancer Syndrome; Hereditary neoplastic syndrome; Tumor predisposition; Neoplastic Syndromes, Hereditary. Identifiers: Orphanet 140162, MedGen C0027672, MeSH D009386, MONDO:0015356.
Hereditary breast ovarian cancer syndrome. Also called: Hereditary breast and ovarian cancer syndrome; Hereditary breast and ovarian cancer syndrome (HBOC); BRCA1- and BRCA2-Associated Hereditary Breast and Ovarian Cancer; Breast and ovarian cancer; Hereditary breast and ovarian cancer; Hereditary breast and/or ovarian cancer syndrome. Identifiers: Orphanet 145, MedGen C0677776, MeSH D061325, MONDO:0003582. Disease mechanism: loss of function.
Breast-ovarian cancer, familial, susceptibility to, 1 (BROVCA1). Also called: OVARIAN CANCER, SUSCEPTIBILITY TO; BRCA1 Hereditary Breast and Ovarian Cancer. Identifiers: Orphanet 145, MedGen C2676676, MONDO:0011450, OMIM 604370. Disease mechanism: loss of function.

Submissions (4):

Evidence-based Network for the Interpretation of Germline Mutant Alleles (ENIGMA)
Classification: Pathogenic for Breast-ovarian cancer, familial, susceptibility to, 1. Last evaluated: 2016-09-08. Review status: reviewed by expert panel. Criteria: ENIGMA BRCA1/2 Classification Criteria (2015). Collection method: curation. Allele origin: germline.
Comment: Variant allele predicted to encode a truncated non-functional protein.

Ambry Genetics
Classification: Pathogenic for Hereditary cancer-predisposing syndrome. Last evaluated: 2023-06-23. Review status: criteria provided, single submitter. Criteria: Ambry Variant Classification Scheme 2023. Collection method: clinical testing. Allele origin: germline. Not counted in ClinVar's aggregate classification.
Comment: The c.892_895dupAATG pathogenic mutation, located in coding exon 9 of the BRCA1 gene, results from a duplication of AATG at nucleotide position 892, causing a translational frameshift with a predicted alternate stop codon (p.V299Efs*6). This alteration is expected to result in loss of function by premature protein truncation or nonsense-mediated mRNA decay. As such, this alteration is interpreted as a disease-causing mutation.

Labcorp Genetics (formerly Invitae), Labcorp
Classification: Pathogenic for Hereditary breast ovarian cancer syndrome. Last evaluated: 2023-02-22. Review status: criteria provided, single submitter. Criteria: Invitae Variant Classification Sherloc (09022015). Collection method: clinical testing. Allele origin: germline. Not counted in ClinVar's aggregate classification.
Comment: For these reasons, this variant has been classified as Pathogenic. ClinVar contains an entry for this variant (Variation ID: 188406). This variant has not been reported in the literature in individuals affected with BRCA1-related conditions. This variant is not present in population databases (gnomAD no frequency). This sequence change creates a premature translational stop signal (p.Val299Glufs*6) in the BRCA1 gene. It is expected to result in an absent or disrupted protein product. Loss-of-function variants in BRCA1 are known to be pathogenic (PMID: 20104584).

Breast Cancer Information Core (BIC) (BRCA1)
Classification: Pathogenic for Breast-ovarian cancer, familial 1. Last evaluated: 2004-02-20. Review status: no assertion criteria provided. Collection method: clinical testing. Allele origin: germline. Affected: yes. Observed: 1 variant allele. Not counted in ClinVar's aggregate classification.

Literature cited by the submitters: PubMed 20104584 (cited by Labcorp Genetics (formerly Invitae), Labcorp).